The following is an entry in ClinVar:

NM_001042424.3(NSD2):c.530C>G (p.Ser177Cys)

Gene: NSD2 (nuclear receptor binding SET domain protein 2; plus strand). Cytogenetic location: 4p16.3.
Variant type: single nucleotide variant.
Coding change: c.530C>G on transcript NM_001042424.3 (MANE Select); coding-DNA position 530, C replaced by G.
Protein change: p.Ser177Cys; replaces serine 177 with cysteine.
Molecular consequence: missense variant.
Genome position (GRCh38, 1-based): chr4:1,901,184, C>G. VCF-style: chr4-1901184-C-G. GRCh37 (hg19) VCF-style: chr4-1902911-C-G.
Other names: c.530C>G, p.Ser177Cys (NM_007331.2, NM_133330.3, NM_133331.3 and 2 more transcripts); short protein forms S177C.
Identifiers: ClinVar variation 2629080 (VCV002629080.1), dbSNP rs1717117477, ClinGen allele CA355993967.

ClinVar aggregate classification (germline): Uncertain significance (1 of 4 stars; one submission).

Conditions:
NSD2-related disorder. Also called: NSD2-related condition; NSD2 related disorders.

Allele frequency attached by ClinVar (database versions not stated): gnomAD exomes below 0.00001; TOPMed below 0.00001.
gnomAD v4.1: 1 of 1,612,168 alleles (0.000062%); highest among the groups gnomAD compares: Non-Finnish European, 0.000085%; no homozygotes.

Submission:

PreventionGenetics, part of Exact Sciences
Classification: Uncertain significance for NSD2-related condition. Last evaluated: 2023-01-17. Review status: criteria provided, single submitter. Criteria: ACMG Guidelines, 2015. Collection method: clinical testing. Allele origin: germline.
Comment: The NSD2 c.530C>G variant is predicted to result in the amino acid substitution p.Ser177Cys. To our knowledge, this variant has not been reported in the literature or in a large population database, indicating this variant is rare. At this time, the clinical significance of this variant is uncertain due to the absence of conclusive functional and genetic evidence.